The following is an entry in ClinVar:

ClinVar aggregate classification (germline): Uncertain significance (1 of 4 stars; one submission).

Conditions:
Developmental and epileptic encephalopathy, 23 (DEE23). Also called: Epileptic encephalopathy, early infantile, 23. Identifiers: Orphanet 411986, MedGen C4014492, MONDO:0014371, OMIM 615859.

Submission:

Labcorp Genetics (formerly Invitae), Labcorp
Classification: Uncertain significance for Epileptic encephalopathy, early infantile, 23. Last evaluated: 2018-11-09. Review status: criteria provided, single submitter. Criteria: Invitae Variant Classification Sherloc (09022015). Collection method: clinical testing. Allele origin: germline.
Comment: This sequence change replaces tyrosine with serine at codon 1925 of the DOCK7 protein (p.Tyr1925Ser). The tyrosine residue is highly conserved and there is a large physicochemical difference between tyrosine and serine. This variant is not present in population databases (ExAC no frequency). This variant has not been reported in the literature in individuals with DOCK7-related disease. Algorithms developed to predict the effect of missense changes on protein structure and function are either unavailable or do not agree on the potential impact of this missense change (SIFT: "Tolerated"; PolyPhen-2: "Probably Damaging"; Align-GVGD: "Class C0"). In summary, the available evidence is currently insufficient to determine the role of this variant in disease. Therefore, it has been classified as a Variant of Uncertain Significance.

NM_001367561.1(DOCK7):c.5807A>C (p.Tyr1936Ser)

Gene: DOCK7 (dedicator of cytokinesis 7; minus strand). Cytogenetic location: 1p31.3.
Variant type: single nucleotide variant.
Coding change: c.5807A>C on transcript NM_001367561.1 (MANE Select); coding-DNA position 5807, A replaced by C.
Protein change: p.Tyr1936Ser; replaces tyrosine 1936 with serine.
Molecular consequence: missense variant.
Genome position (GRCh38, 1-based): chr1:62,475,861, T>G on the plus strand (A>C on the coding strand, the complement: DOCK7 is on the minus strand). VCF-style: chr1-62475861-T-G. GRCh37 (hg19) VCF-style: chr1-62941532-T-G.
Other names: c.5774A>C, p.Tyr1925Ser (NM_001271999.2); c.5687A>C, p.Tyr1896Ser (NM_001272000.2); c.5681A>C, p.Tyr1894Ser (NM_001272001.2); c.5780A>C, p.Tyr1927Ser (NM_001330614.2); c.5714A>C, p.Tyr1905Ser (NM_033407.4); short protein forms Y1905S, Y1925S, Y1927S, Y1894S, Y1896S, Y1936S.
Identifiers: ClinVar variation 657623 (VCV000657623.1), dbSNP rs1425343978, ClinGen allele CA340603557.